The following is an entry in ClinVar:

NM_004415.4(DSP):c.3316G>T (p.Glu1106Ter)

Gene: DSP (desmoplakin; plus strand). Cytogenetic location: 6p24.3.
Variant type: single nucleotide variant.
Coding change: c.3316G>T on transcript NM_004415.4 (MANE Select); coding-DNA position 3316, G replaced by T.
Protein change: p.Glu1106Ter; replaces glutamic acid 1106 with a stop codon.
Molecular consequence: nonsense.
Genome position (GRCh38, 1-based): chr6:7,579,506, G>T. VCF-style: chr6-7579506-G-T. GRCh37 (hg19) VCF-style: chr6-7579739-G-T.
Other names: c.3316G>T (LRG_423t1); c.3316G>T, p.Glu1106Ter (NM_001008844.3, NM_001319034.2); short protein forms E1106*.
Identifiers: ClinVar variation 429921 (VCV000429921.6), dbSNP rs1131691673, ClinGen allele CA362683656.
Genomic context (GRCh38, chr6:7,579,506, plus strand): 5'-GCTGAGCTGGATGGGAAGTCGGCTAAGCAAAATCTAGACAAGTGCTACGGCCAAATAAAA[G>T]AACTCAATGAGAAGATCACCCGACTGACTTATGAGATTGAAGATGAAAAGAGAAGAAGAA-3'

ClinVar aggregate classification (germline): Pathogenic/Likely pathogenic. Review status: criteria provided, multiple submitters, no conflicts (2 of 4 stars). 3 submissions from 3 submitters: Pathogenic (2); Likely pathogenic (1). Last evaluated 2025-04-01.

Conditions:
Cardiomyopathy (CMYO). Also called: Cardiomyopathies. Identifiers: Orphanet 167848, MedGen C0878544, MONDO:0004994, HP:0001638. Inheritance: Various modes of inheritance.
Arrhythmogenic right ventricular dysplasia 8 (ARVD8). Also called: Arrhythmogenic Right Ventricular Dysplasia/Cardiomyopathy 8; ARRHYTHMOGENIC RIGHT VENTRICULAR DYSPLASIA, FAMILIAL, 8; ARRHYTHMOGENIC RIGHT VENTRICULAR CARDIOMYOPATHY 8. Identifiers: MedGen C1843896, MONDO:0011831, OMIM 607450.
Arrhythmogenic cardiomyopathy with wooly hair and keratoderma. Also called: PALMOPLANTAR KERATODERMA WITH LEFT VENTRICULAR CARDIOMYOPATHY AND WOOLLY HAIR; Dilated cardiomyopathy with woolly hair and keratoderma; Carvajal syndrome; Arrhythmogenic cardiomyopathy with woolly hair and keratoderma. Identifiers: Orphanet 65282, MedGen C1854063, MONDO:0011581, OMIM 605676.

Submissions (3):

Labcorp Genetics (formerly Invitae), Labcorp
Classification: Pathogenic for Arrhythmogenic cardiomyopathy with wooly hair and keratoderma; Arrhythmogenic right ventricular dysplasia 8. Last evaluated: 2025-04-01. Review status: criteria provided, single submitter. Criteria: Invitae Variant Classification Sherloc (09022015). Collection method: clinical testing. Allele origin: germline.
Comment: This sequence change creates a premature translational stop signal (p.Glu1106*) in the DSP gene. It is expected to result in an absent or disrupted protein product. Loss-of-function variants in DSP are known to be pathogenic (PMID: 20716751, 24503780, 25227139). This variant is not present in population databases (gnomAD no frequency). This premature translational stop signal has been observed in individual(s) with clinical features of DSP-related conditions (PMID: 25163546). ClinVar contains an entry for this variant (Variation ID: 429921). For these reasons, this variant has been classified as Pathogenic.

Color Diagnostics, LLC DBA Color Health
Classification: Pathogenic for Cardiomyopathy. Last evaluated: 2022-05-09. Review status: criteria provided, single submitter. Criteria: ACMG Guidelines, 2015. Collection method: clinical testing. Allele origin: germline.
Comment: This variant changes 1 nucleotide in exon 23 of the DSP gene, creating a premature translation stop signal. This variant is expected to result in an absent or non-functional protein product. This variant has been reported in an individual affected with dilated cardiomyopathy (PMID: 32826072). This variant has not been identified in the general population by the Genome Aggregation Database (gnomAD). Loss of DSP function is a known mechanism of disease. Based on the available evidence, this variant is classified as Pathogenic.

GeneDx
Classification: Likely pathogenic. Last evaluated: 2015-11-09. Review status: criteria provided, single submitter. Criteria: GeneDx Variant Classification (06012015). Collection method: clinical testing. Allele origin: germline. Affected: yes.
Comment: The E1106X variant in the DSP gene has not been reported as a pathogenic variant or as a benign variant to our knowledge. E1106X is predicted to cause loss of normal protein function either by protein truncation or nonsense-mediated mRNA decay. Other nonsense variants in the DSP gene have been reported in HGMD in association with ARVC (Stenson et al., 2014). Furthermore, the E1106X variant was not observed in approximately 6,500 individuals of European and African American ancestry in the NHLBI Exome Sequencing Project, indicating it is not a common benign variant in these populations.

Literature cited by the submitters: PubMed 20716751 (cited by Labcorp Genetics (formerly Invitae), Labcorp); PubMed 24503780 (cited by Labcorp Genetics (formerly Invitae), Labcorp); PubMed 25227139 (cited by Labcorp Genetics (formerly Invitae), Labcorp); PubMed 25163546 (cited by Labcorp Genetics (formerly Invitae), Labcorp); PubMed 32826072 (cited by Color Diagnostics, LLC DBA Color Health).